The following is an entry in ClinVar:

NC_000022.10:g.(?_21350969)_(21351637_?)del

Gene: LZTR1 (leucine zipper like post translational regulator 1; plus strand). Cytogenetic location: 22q11.21.
Variant type: Deletion.
Identifiers: ClinVar variation 1040779 (VCV001040779.6).

ClinVar aggregate classification (germline): Uncertain significance (1 of 4 stars; one submission).

Submission:

Labcorp Genetics (formerly Invitae), Labcorp
Classification: Uncertain significance. Last evaluated: 2022-01-27. Review status: criteria provided, single submitter. Criteria: Invitae Variant Classification Sherloc (09022015). Collection method: clinical testing. Allele origin: germline.
Comment: In summary, the available evidence is currently insufficient to determine the role of this variant in disease. Therefore, it has been classified as a Variant of Uncertain Significance. Experimental studies and prediction algorithms are not available or were not evaluated, and the functional significance of this variant is currently unknown. This variant has not been reported in the literature in individuals affected with LZTR1-related conditions. This variant is a gross deletion of the genomic region encompassing exon(s) 19-21 of the LZTR1 gene, which includes the termination codon. This deletion extends beyond the assayed region for this gene and therefore may encompass additional genes. While this deletion is not anticipated to lead to nonsense mediated decay, it is expected to alter mRNA translation or result in a truncated protein product.